The following is an entry in ClinVar:

ClinVar aggregate classification (germline): Uncertain significance (1 of 4 stars; one submission).

Conditions:
Glycogen storage disease, type VII (GSD7). Also called: PFKM DEFICIENCY; TARUI DISEASE; GSD VII; MUSCLE PHOSPHOFRUCTOKINASE DEFICIENCY. Identifiers: Orphanet 371, MedGen C0017926, MONDO:0009295, OMIM 232800.

Submission:

Myriad Genetics, Inc.
Classification: Uncertain significance for Glycogen storage disease, type VII. Last evaluated: 2026-01-07. Review status: criteria provided, single submitter. Criteria: Myriad Autosomal Dominant, Autosomal Recessive and X-Linked Classification Criteria (2023). Collection method: clinical testing. Allele origin: unknown.
Comment: NM_001166686.1(PFKM):c.360_362delCTT(F121del) is an in-frame deletion classified as a variant of uncertain significance in the context of glycogen storage disease, PFKM-related. F121del has not been observed in cases with relevant disease. Relevant functional assessments of this variant are not available in the literature. F121del has not been observed in referenced population frequency databases. In summary, there is insufficient evidence to classify NM_001166686.1(PFKM):c.360_362delCTT(F121del) as pathogenic or benign. Please note: this variant was assessed in the context of healthy population screening.

NM_000289.6(PFKM):c.144CTT[1] (p.Phe50del)

Gene: PFKM (phosphofructokinase, muscle; plus strand). Cytogenetic location: 12q13.11.
Variant type: Microsatellite.
Coding change: c.144CTT[1] on transcript NM_000289.6 (MANE Select); one copy of the 3-base unit CTT starting at c.144; the reference has two copies in a row; one copy, 3 bases deleted.
Protein change: p.Phe50del; deletes phenylalanine 50.
Molecular consequence: inframe deletion. On other transcripts: non-coding transcript variant (4), intron variant (2).
Genome position (GRCh38, 1-based): chr12:48,130,424-48,130,426, CTT deleted; deleting any 3 consecutive bases within chr12:48,130,420-48,130,426 gives the same sequence; the position shown is the placement nearest the transcript's 3' end. VCF-style (leftmost placement, unchanged base first): chr12-48130419-GTCT-G. GRCh37 (hg19) VCF-style: chr12-48524202-GTCT-G.
Other names: c.357CTT[1], p.Phe121del (NM_001166686.2, NM_001354737.1, NM_001354738.1 and 2 more transcripts); c.144CTT[1], p.Phe50del (NM_001166687.2, NM_001166688.2, NM_001354742.2 and 4 more transcripts); c.453CTT[1], p.Phe153del (NM_001354735.1, NM_001354736.1); c.288CTT[1], p.Phe98del (NM_001354740.1); c.168CTT[1], p.Phe58del (NM_001354741.2); c.57CTT[1], p.Phe21del (NM_001354745.2); c.10-892_10-890del (NM_001354747.2, NM_001354748.2); short protein forms F21del, F58del, F121del, F50del, F98del, F153del.
Identifiers: ClinVar variation 5003572 (VCV005003572.1).